The following is an entry in ClinVar:

NM_013319.3(UBIAD1):c.*1532C>T

Gene: UBIAD1 (UbiA prenyltransferase domain containing 1; plus strand). Cytogenetic location: 1p36.22.
Variant type: single nucleotide variant.
Coding change: c.*1532C>T on transcript NM_013319.3 (MANE Select); 1532 bases downstream of the stop codon, C replaced by T.
Molecular consequence: 3 prime UTR variant. On other transcripts: intron variant (2).
Genome position (GRCh38, 1-based): chr1:11,287,663, C>T. VCF-style: chr1-11287663-C-T. GRCh37 (hg19) VCF-style: chr1-11347720-C-T.
Other names: c.618+1931C>T (NM_001330349.2); c.530-7210C>T (NM_001330350.2).
Identifiers: ClinVar variation 291900 (VCV000291900.5), dbSNP rs77270119, ClinGen allele CA10607410.

ClinVar aggregate classification (germline): Benign (1 of 4 stars; one submission).

Conditions:
Schnyder crystalline corneal dystrophy (SCCD). Also called: Crystalline corneal dystrophy; Schnyder corneal dystrophy. Identifiers: Orphanet 98967, MedGen C0271287, MONDO:0007374, OMIM 121800.

Allele frequency attached by ClinVar (database versions not stated): gnomAD 0.06584 and 0.07082; TOPMed 0.07179; 1000 Genomes Project 0.07608; 1000 Genomes Project 30x 0.08120.

Submission:

Illumina Laboratory Services, Illumina
Classification: Benign for Schnyder crystalline corneal dystrophy. Last evaluated: 2018-01-13. Review status: criteria provided, single submitter. Criteria: ICSL Variant Classification Criteria 13 December 2019. Collection method: clinical testing. Allele origin: germline.
Comment: This variant was observed in the ICSL laboratory as part of a predisposition screen in an ostensibly healthy population. It had not been previously curated by ICSL or reported in the Human Gene Mutation Database (HGMD: prior to June 1st, 2018), and was therefore a candidate for classification through an automated scoring system. Utilizing variant allele frequency, disease prevalence and penetrance estimates, and inheritance mode, an automated score was calculated to assess if this variant is too frequent to cause the disease. Based on the score and internal cut-off values, a variant classified as benign is not then subjected to further curation. The score for this variant resulted in a classification of benign for this disease.